The following is an entry in ClinVar:

NM_001042681.2(RERE):c.1691A>G (p.Asp564Gly)

Gene: RERE (arginine-glutamic acid dipeptide repeats; minus strand). Cytogenetic location: 1p36.23.
Variant type: single nucleotide variant.
Coding change: c.1691A>G on transcript NM_001042681.2 (MANE Select); coding-DNA position 1691, A replaced by G.
Protein change: p.Asp564Gly; replaces aspartic acid 564 with glycine.
Molecular consequence: missense variant.
Genome position (GRCh38, 1-based): chr1:8,364,105, T>C on the plus strand (A>G on the coding strand, the complement: RERE is on the minus strand). VCF-style: chr1-8364105-T-C. GRCh37 (hg19) VCF-style: chr1-8424165-T-C.
Other names: c.29A>G, p.Asp10Gly (NM_001042682.2); c.1691A>G, p.Asp564Gly (NM_012102.4); short protein forms D10G, D564G.
Identifiers: ClinVar variation 4799811 (VCV004799811.1).

ClinVar aggregate classification (germline): Uncertain significance (1 of 4 stars; one submission).

Submission:

Labcorp Genetics (formerly Invitae), Labcorp
Classification: Uncertain significance. Last evaluated: 2025-09-30. Review status: criteria provided, single submitter. Criteria: Invitae Variant Classification Sherloc (09022015). Collection method: clinical testing. Allele origin: germline.
Comment: This sequence change replaces aspartic acid, which is acidic and polar, with glycine, which is neutral and non-polar, at codon 564 of the RERE protein (p.Asp564Gly). This variant is not present in population databases (gnomAD no frequency). This variant has not been reported in the literature in individuals affected with RERE-related conditions. Invitae Evidence Modeling of protein sequence and biophysical properties (such as structural, functional, and spatial information, amino acid conservation, physicochemical variation, residue mobility, and thermodynamic stability) indicates that this missense variant is not expected to disrupt RERE protein function with a negative predictive value of 95%. In summary, the available evidence is currently insufficient to determine the role of this variant in disease. Therefore, it has been classified as a Variant of Uncertain Significance.